The following is an entry in ClinVar:

ClinVar aggregate classification (germline): Likely benign (0 of 4 stars; one submission).

Conditions:
MAPT-related disorder. Also called: MAPT-Related Disorders; MAPT-related condition.

Allele frequency attached by ClinVar (database versions not stated): gnomAD exomes below 0.00001.
gnomAD v4.1: 4 of 1,614,028 alleles (0.00025%); highest among the groups gnomAD compares: Non-Finnish European, 0.00034%; no homozygotes.

Submission:

PreventionGenetics, part of Exact Sciences
Classification: Likely benign for MAPT-related condition. Last evaluated: 2021-03-23. Review status: no assertion criteria provided. Collection method: clinical testing. Allele origin: germline.
Comment: This variant is classified as likely benign based on ACMG/AMP sequence variant interpretation guidelines (Richards et al. 2015 PMID: 25741868, with internal and published modifications).

NM_001377265.1(MAPT):c.1194A>G (p.Gly398=)

Gene: MAPT (microtubule associated protein tau). Cytogenetic location: 17q21.31.
Variant type: single nucleotide variant.
Coding change: c.1194A>G on transcript NM_001377265.1 (MANE Select); coding-DNA position 1194, A replaced by G.
Protein change: p.Gly398=; no amino-acid change (glycine 398 retained).
Molecular consequence: synonymous variant. On other transcripts: intron variant (8).
Genome position (GRCh38, 1-based): chr17:45,983,773, A>G. VCF-style: chr17-45983773-A-G. GRCh37 (hg19) VCF-style: chr17-44061139-A-G.
Other names: c.969A>G, p.Gly323= (NM_001123066.4, NM_016835.5); c.1194A>G, p.Gly398= (NM_001377266.1); c.200-3267A>G (NM_001377268.1, NM_016834.5, NM_016841.5); c.374-3267A>G (NM_005910.6, NM_001203252.2); c.287-3267A>G (NM_001123067.4, NM_001203251.2, NM_001377267.1).
Identifiers: ClinVar variation 3031304 (VCV003031304.2), dbSNP rs2509794416, ClinGen allele CA500643843.